The following is an entry in ClinVar:

ClinVar aggregate classification (germline): Uncertain significance. Review status: criteria provided, multiple submitters, no conflicts (2 of 4 stars). 3 submissions from 3 submitters: Uncertain significance (3). Last evaluated 2024-12-23.

Conditions:
Inborn genetic diseases. Identifiers: MedGen C0950123, MeSH D030342.
Monocytopenia with susceptibility to infections. Also called: GATA2 DEFICIENCY; IMMUNODEFICIENCY 21; MONOCYTOPENIA AND MYCOBACTERIAL INFECTION SYNDROME; MONOCYTOPENIA WITH SUSCEPTIBILITY TO MYCOBACTERIAL, FUNGAL, AND PAPILLOMAVIRUS INFECTIONS AND MYELODYSPLASIA; COMBINED IMMUNODEFICIENCY WITH SUSCEPTIBILITY TO MYCOBACTERIAL, VIRAL, AND FUNGAL INFECTIONS; Dendritic cell, monocyte, B lymphocyte, and natural killer lymphocyte deficiency. Identifiers: Orphanet 228423, MedGen C3280030, MONDO:0013607, OMIM 614172.
Deafness-lymphedema-leukemia syndrome. Also called: Emberger syndrome; Lymphedema, primary, with myelodysplasia. Identifiers: Orphanet 3226, MedGen C3279664, MONDO:0013540, OMIM 614038.

Allele frequency attached by ClinVar (database versions not stated): gnomAD exomes below 0.00001; gnomAD 0.00001; TOPMed 0.00001.
gnomAD v4.1: 3 of 1,614,000 alleles (0.00019%); highest among the groups gnomAD compares: African/African-American, 0.004%; no homozygotes.

Submissions (3):

Ambry Genetics
Classification: Uncertain significance for Inborn genetic diseases. Last evaluated: 2024-12-23. Review status: criteria provided, single submitter. Criteria: Ambry Variant Classification Scheme 2023. Collection method: clinical testing. Allele origin: germline.
Comment: The p.H244Q variant (also known as c.732C>G), located in coding exon 2 of the GATA2 gene, results from a C to G substitution at nucleotide position 732. The histidine at codon 244 is replaced by glutamine, an amino acid with highly similar properties. This amino acid position is highly conserved in available vertebrate species. In addition, the in silico prediction for this alteration is inconclusive. Based on the available evidence, the clinical significance of this variant remains unclear.

GeneDx
Classification: Uncertain significance. Last evaluated: 2024-11-12. Review status: criteria provided, single submitter. Criteria: GeneDx Variant Classification Process June 2021. Collection method: clinical testing. Allele origin: germline. Affected: yes.
Comment: Not observed at significant frequency in large population cohorts (gnomAD); In silico analysis supports that this missense variant has a deleterious effect on protein structure/function; Has not been previously published as pathogenic or benign to our knowledge

Labcorp Genetics (formerly Invitae), Labcorp
Classification: Uncertain significance for Monocytopenia with susceptibility to infections; Deafness-lymphedema-leukemia syndrome. Last evaluated: 2024-07-01. Review status: criteria provided, single submitter. Criteria: Invitae Variant Classification Sherloc (09022015). Collection method: clinical testing. Allele origin: germline.
Comment: This sequence change replaces histidine, which is basic and polar, with glutamine, which is neutral and polar, at codon 244 of the GATA2 protein (p.His244Gln). This variant is present in population databases (no rsID available, gnomAD 0.008%). This variant has not been reported in the literature in individuals affected with GATA2-related conditions. ClinVar contains an entry for this variant (Variation ID: 937355). Advanced modeling of protein sequence and biophysical properties (such as structural, functional, and spatial information, amino acid conservation, physicochemical variation, residue mobility, and thermodynamic stability) has been performed at Invitae for this missense variant, however the output from this modeling did not meet the statistical confidence thresholds required to predict the impact of this variant on GATA2 protein function. In summary, the available evidence is currently insufficient to determine the role of this variant in disease. Therefore, it has been classified as a Variant of Uncertain Significance.

NM_032638.5(GATA2):c.732C>G (p.His244Gln)

Gene: GATA2 (GATA binding protein 2; minus strand). Cytogenetic location: 3q21.3.
Variant type: single nucleotide variant.
Coding change: c.732C>G on transcript NM_032638.5 (MANE Select); coding-DNA position 732, C replaced by G.
Protein change: p.His244Gln; replaces histidine 244 with glutamine.
Molecular consequence: missense variant.
Genome position (GRCh38, 1-based): chr3:128,485,866, G>C on the plus strand (C>G on the coding strand, the complement: GATA2 is on the minus strand). VCF-style: chr3-128485866-G-C. GRCh37 (hg19) VCF-style: chr3-128204709-G-C.
Other names: c.732C>G, p.His244Gln (NM_001145661.2, NM_001145662.1); short protein forms H244Q.
Identifiers: ClinVar variation 937355 (VCV000937355.9), dbSNP rs954005309, ClinGen allele CA83371792.